The following is an entry in ClinVar:

NM_006129.5(BMP1):c.1939G>A (p.Asp647Asn)

Gene: BMP1 (bone morphogenetic protein 1; plus strand). Cytogenetic location: 8p21.3.
Variant type: single nucleotide variant.
Coding change: c.1939G>A on transcript NM_006129.5 (MANE Select); coding-DNA position 1939, G replaced by A.
Protein change: p.Asp647Asn; replaces aspartic acid 647 with asparagine.
Molecular consequence: missense variant. On other transcripts: non-coding transcript variant (2).
Genome position (GRCh38, 1-based): chr8:22,197,252, G>A. VCF-style: chr8-22197252-G-A. GRCh37 (hg19) VCF-style: chr8-22054765-G-A.
Other names: c.1939G>A, p.Asp647Asn (NM_001199.4); short protein forms D647N.
Identifiers: ClinVar variation 1303812 (VCV001303812.4), dbSNP rs1257093673, ClinGen allele CA370499502.
Genomic context (GRCh38, chr8:22,197,252, plus strand): 5'-AGAGAGGCTTCCTGGAGGAGGCGGGCCTGGAGCTGGGCTTCCCTGCAGGTGTGCAAGTAC[G>A]ACTTCGTGGAGGTGCGCAGTGGACTCACAGCTGACTCCAAGCTGCATGGCAAGTTCTGTG-3'
Protein context (NP_006120.1, residues 637-657): ETEGNDVCKY[Asp647Asn]FVEVRSGLTA

ClinVar aggregate classification (germline): Uncertain significance (1 of 4 stars; one submission).

Allele frequency attached by ClinVar (database versions not stated): gnomAD 0.00001; gnomAD exomes 0.00001; TOPMed 0.00002.
gnomAD v4.1: 18 of 1,610,316 alleles (0.0011%); highest among the groups gnomAD compares: Non-Finnish European, 0.00085%; no homozygotes.

Submission:

GeneDx
Classification: Uncertain significance. Last evaluated: 2025-06-02. Review status: criteria provided, single submitter. Criteria: GeneDx Variant Classification Process June 2021. Collection method: clinical testing. Allele origin: germline. Affected: yes.
Comment: Reported in the published literature in one individual from a cohort of patients with low levels of high density lipoproteincholesterol (HDL-C) (PMID: 35460704); Not observed at significant frequency in large population cohorts (gnomAD); In silico analysis supports that this missense variant has a deleterious effect on protein structure/function; This variant is associated with the following publications: (PMID: 35460704)